The following is an entry in ClinVar:

ClinVar aggregate classification (germline): Likely pathogenic (1 of 4 stars; one submission).

Conditions:
CFTR-related disorder (CFTR-RD). Also called: CFTR-related disorders; CFTR-related condition. Identifiers: MedGen C5924204, MONDO:7770004.

Submission:

Natera, Inc.
Classification: Likely pathogenic for CFTR-related disorders. Last evaluated: 2025-09-21. Review status: criteria provided, single submitter. Criteria: Natera Variant Classification Schema (03/2026). Collection method: clinical testing. Allele origin: germline.
Comment: The c.3032del variant in CFTR is a frameshift variant predicted to shift the reading frame beginning at codon 1011 and leads to a stop codon 12 codons downstream. This variant is expected to result in nonsense mediated decay, truncation, or a dysfunctional protein product. This variant is rare in the general population with a frequency below the threshold expected for the associated phenotype(s). Given the available evidence, this variant is classified as Likely Pathogenic.

NM_000492.4(CFTR):c.3032del (p.Leu1011fs)

Genes: CFTR (CF transmembrane conductance regulator; plus strand), CFTR-AS2 (CFTR antisense RNA 2; minus strand), LOC111674472 (DNase I hypersensitive sites in introns 16 and 17a of CFTR; plus strand). Cytogenetic location: 7q31.2.
Variant type: Deletion.
Coding change: c.3032del on transcript NM_000492.4 (MANE Select); coding-DNA position 3032, one base deleted (T; older notation c.3032delT).
Protein change: p.Leu1011fs; shifts the reading frame from leucine 1011.
Molecular consequence: frameshift variant.
Genome position (GRCh38, 1-based): chr7:117,610,562, T deleted; the last of 4 consecutive T bases (chr7:117,610,559-117,610,562); deleting any one gives the same sequence. VCF-style (leftmost placement, unchanged base first): chr7-117610558-GT-G. GRCh37 (hg19) VCF-style: chr7-117250612-GT-G.
Other names: c.3032delT, p.Leu1011Tyrfs (NM_000492.3); short protein forms L1011fs.
Identifiers: ClinVar variation 4818524 (VCV004818524.1).